The following is an entry in ClinVar:

NM_024675.4(PALB2):c.1668dup (p.Phe557fs)

Gene: PALB2 (partner and localizer of BRCA2; minus strand). Cytogenetic location: 16p12.2.
Variant type: Duplication.
Coding change: c.1668dup on transcript NM_024675.4 (MANE Select); coding-DNA position 1668, one base duplicated (A; older notation c.1668dupA).
Protein change: p.Phe557fs; shifts the reading frame from phenylalanine 557.
Molecular consequence: frameshift variant. On other transcripts: intron variant (3).
Genome position (GRCh38, 1-based): chr16:23,634,878, T duplicated on the plus strand (A on the coding strand, the reverse complement: PALB2 is on the minus strand). VCF-style (leftmost placement, unchanged base first): chr16-23634877-A-AT. GRCh37 (hg19) VCF-style: chr16-23646198-A-AT.
Other names: c.1608dup, p.Phe537fs (NM_001407296.1); c.1668dup, p.Phe557fs (NM_001407297.1, NM_001407298.1, NM_001407299.1 and 3 more transcripts); c.783dup, p.Phe262fs (NM_001407304.1, NM_001407305.1, NM_001407306.1 and 5 more transcripts); c.49-5603dup (NM_001407314.1); c.-104-4409dup (NM_001407313.1, NM_001407312.1); short protein forms F262fs, F537fs, F557fs.
Identifiers: ClinVar variation 2673877 (VCV002673877.3), dbSNP rs2506469678, ClinGen allele CA2695197541.
Genomic context (GRCh38, chr16:23,634,877, plus strand): 5'-ACTTTCATCATCATCATCATCATCATCAAACACATCTTGATTTACCTTTCACTTGAATAA[A>AT]TAATTTTTCGTGCTGATATTTGTGTGAGGTGACTTCTTCCTTGGACCTGTTAACAATCGA-3'

ClinVar aggregate classification (germline): Pathogenic. Review status: criteria provided, multiple submitters, no conflicts (2 of 4 stars). 2 submissions from 2 submitters: Pathogenic (2). Last evaluated 2024-09-03.

Conditions:
Familial cancer of breast. Also called: Hereditary breast cancer; BREAST CANCER, FAMILIAL; hereditary breast carcinoma. Identifiers: Orphanet 227535, MedGen C0346153, MONDO:0016419, OMIM 114480. Disease mechanism: loss of function.

Submissions (2):

Labcorp Genetics (formerly Invitae), Labcorp
Classification: Pathogenic for Familial cancer of breast. Last evaluated: 2024-09-03. Review status: criteria provided, single submitter. Criteria: Invitae Variant Classification Sherloc (09022015). Collection method: clinical testing. Allele origin: germline.
Comment: This sequence change creates a premature translational stop signal (p.Phe557Ilefs*21) in the PALB2 gene. It is expected to result in an absent or disrupted protein product. Loss-of-function variants in PALB2 are known to be pathogenic (PMID: 17200668, 17200671, 17200672, 24136930, 25099575). This variant is not present in population databases (gnomAD no frequency). This variant has not been reported in the literature in individuals affected with PALB2-related conditions. For these reasons, this variant has been classified as Pathogenic.

Myriad Genetics, Inc.
Classification: Pathogenic for Familial cancer of breast. Last evaluated: 2023-09-11. Review status: criteria provided, single submitter. Criteria: Myriad Autosomal Dominant, Autosomal Recessive and X-Linked Classification Criteria (2023). Collection method: clinical testing. Allele origin: unknown.
Comment: This variant is considered pathogenic. This variant creates a frameshift predicted to result in premature protein truncation.

Literature cited by the submitters: PubMed 17200668 (cited by Labcorp Genetics (formerly Invitae), Labcorp); PubMed 17200671 (cited by Labcorp Genetics (formerly Invitae), Labcorp); PubMed 17200672 (cited by Labcorp Genetics (formerly Invitae), Labcorp); PubMed 24136930 (cited by Labcorp Genetics (formerly Invitae), Labcorp); PubMed 25099575 (cited by Labcorp Genetics (formerly Invitae), Labcorp).